The following is an entry in ClinVar:

NM_006231.4(POLE):c.2644A>G (p.Asn882Asp)

Gene: POLE (DNA polymerase epsilon, catalytic subunit; minus strand). Cytogenetic location: 12q24.33.
Variant type: single nucleotide variant.
Coding change: c.2644A>G on transcript NM_006231.4 (MANE Select); coding-DNA position 2644, A replaced by G.
Protein change: p.Asn882Asp; replaces asparagine 882 with aspartic acid.
Molecular consequence: missense variant.
Genome position (GRCh38, 1-based): chr12:132,664,066, T>C on the plus strand (A>G on the coding strand, the complement: POLE is on the minus strand). VCF-style: chr12-132664066-T-C. GRCh37 (hg19) VCF-style: chr12-133240652-T-C.
Other names: short protein forms N882D.
Identifiers: ClinVar variation 2764645 (VCV002764645.3), dbSNP rs1455015315, ClinGen allele CA387395451.

ClinVar aggregate classification (germline): Uncertain significance (1 of 4 stars; one submission).

Submission:

Labcorp Genetics (formerly Invitae), Labcorp
Classification: Uncertain significance. Last evaluated: 2024-07-22. Review status: criteria provided, single submitter. Criteria: Invitae Variant Classification Sherloc (09022015). Collection method: clinical testing. Allele origin: germline.
Comment: This sequence change replaces asparagine, which is neutral and polar, with aspartic acid, which is acidic and polar, at codon 882 of the POLE protein (p.Asn882Asp). This variant is not present in population databases (gnomAD no frequency). This variant has not been reported in the literature in individuals affected with POLE-related conditions. Advanced modeling of protein sequence and biophysical properties (such as structural, functional, and spatial information, amino acid conservation, physicochemical variation, residue mobility, and thermodynamic stability) performed at Invitae indicates that this missense variant is not expected to disrupt POLE protein function with a negative predictive value of 80%. In summary, the available evidence is currently insufficient to determine the role of this variant in disease. Therefore, it has been classified as a Variant of Uncertain Significance.